The following is an entry in ClinVar:

NM_000400.4(ERCC2):c.1822A>C (p.Ile608Leu)

Gene: ERCC2 (ERCC excision repair 2, TFIIH core complex helicase subunit; minus strand). Cytogenetic location: 19q13.32.
Variant type: single nucleotide variant.
Coding change: c.1822A>C on transcript NM_000400.4 (MANE Select); coding-DNA position 1822, A replaced by C.
Protein change: p.Ile608Leu; replaces isoleucine 608 with leucine.
Molecular consequence: missense variant.
Genome position (GRCh38, 1-based): chr19:45,353,092, T>G on the plus strand (A>C on the coding strand, the complement: ERCC2 is on the minus strand). VCF-style: chr19-45353092-T-G. GRCh37 (hg19) VCF-style: chr19-45856350-T-G.
Other names: short protein forms I608L.
Identifiers: ClinVar variation 1780777 (VCV001780777.2), dbSNP rs1333798247, ClinGen allele CA406364113.

ClinVar aggregate classification (germline): Uncertain significance (1 of 4 stars; one submission).

Conditions:
Inborn genetic diseases. Identifiers: MedGen C0950123, MeSH D030342.

Submission:

Ambry Genetics
Classification: Uncertain significance for Inborn genetic diseases. Last evaluated: 2021-12-11. Review status: criteria provided, single submitter. Criteria: Ambry Variant Classification Scheme 2023. Collection method: clinical testing. Allele origin: germline.
Comment: The p.I608L variant (also known as c.1822A>C), located in coding exon 19 of the ERCC2 gene, results from an A to C substitution at nucleotide position 1822. The isoleucine at codon 608 is replaced by leucine, an amino acid with highly similar properties. This amino acid position is conserved. In addition, this alteration is predicted to be deleterious by in silico analysis. Since supporting evidence is limited at this time, the clinical significance of this alteration remains unclear.